The following is an entry in ClinVar:

NM_000135.4(FANCA):c.3189G>C (p.Trp1063Cys)

Gene: FANCA (FA complementation group A; minus strand). Cytogenetic location: 16q24.3.
Variant type: single nucleotide variant.
Coding change: c.3189G>C on transcript NM_000135.4 (MANE Select); coding-DNA position 3189, G replaced by C.
Protein change: p.Trp1063Cys; replaces tryptophan 1063 with cysteine.
Molecular consequence: missense variant.
Genome position (GRCh38, 1-based): chr16:89,749,780, C>G on the plus strand (G>C on the coding strand, the complement: FANCA is on the minus strand). VCF-style: chr16-89749780-C-G. GRCh37 (hg19) VCF-style: chr16-89816188-C-G.
Other names: c.3189G>C (NM_000135.2); c.3189G>C, p.Trp1063Cys (NM_001286167.3); short protein forms W1063C.
Identifiers: ClinVar variation 1430394 (VCV001430394.9), dbSNP rs776391208, ClinGen allele CA8251305.

ClinVar aggregate classification (germline): Uncertain significance. Review status: criteria provided, multiple submitters, no conflicts (2 of 4 stars). 2 submissions from 2 submitters: Uncertain significance (2). Last evaluated 2024-12-08.

Conditions:
Inborn genetic diseases. Identifiers: MedGen C0950123, MeSH D030342.
Fanconi anemia (FA). Also called: Fanconi's anemia. Identifiers: Orphanet 84, MedGen C0015625, MeSH D005199, MONDO:0019391.

Allele frequency attached by ClinVar (database versions not stated): ExAC 0.00001; gnomAD exomes 0.00001.
gnomAD v4.1: 3 of 1,614,216 alleles (0.00019%); highest among the groups gnomAD compares: Admixed American, 0.0033%; no homozygotes.

Submissions (2):

Ambry Genetics
Classification: Uncertain significance for Inborn genetic diseases. Last evaluated: 2024-12-08. Review status: criteria provided, single submitter. Criteria: Ambry Variant Classification Scheme 2023. Collection method: clinical testing. Allele origin: germline.
Comment: The p.W1063C variant (also known as c.3189G>C), located in coding exon 32 of the FANCA gene, results from a G to C substitution at nucleotide position 3189. The tryptophan at codon 1063 is replaced by cysteine, an amino acid with highly dissimilar properties. This amino acid position is conserved. In addition, this alteration is predicted to be tolerated by in silico analysis. Based on the available evidence, the clinical significance of this variant remains unclear.

Labcorp Genetics (formerly Invitae), Labcorp
Classification: Uncertain significance for Fanconi anemia. Last evaluated: 2023-08-14. Review status: criteria provided, single submitter. Criteria: Invitae Variant Classification Sherloc (09022015). Collection method: clinical testing. Allele origin: germline.
Comment: Advanced modeling of protein sequence and biophysical properties (such as structural, functional, and spatial information, amino acid conservation, physicochemical variation, residue mobility, and thermodynamic stability) has been performed at Invitae for this missense variant, however the output from this modeling did not meet the statistical confidence thresholds required to predict the impact of this variant on FANCA protein function. In summary, the available evidence is currently insufficient to determine the role of this variant in disease. Therefore, it has been classified as a Variant of Uncertain Significance. ClinVar contains an entry for this variant (Variation ID: 1430394). This sequence change replaces tryptophan, which is neutral and slightly polar, with cysteine, which is neutral and slightly polar, at codon 1063 of the FANCA protein (p.Trp1063Cys). This variant is present in population databases (rs776391208, gnomAD 0.003%). This variant has not been reported in the literature in individuals affected with FANCA-related conditions.